The following is an entry in ClinVar:

NM_001035.3(RYR2):c.9431A>C (p.Lys3144Thr)

Gene: RYR2 (ryanodine receptor 2; plus strand). Cytogenetic location: 1q43.
Variant type: single nucleotide variant.
Coding change: c.9431A>C on transcript NM_001035.3 (MANE Select); coding-DNA position 9431, A replaced by C.
Protein change: p.Lys3144Thr; replaces lysine 3144 with threonine.
Molecular consequence: missense variant.
Genome position (GRCh38, 1-based): chr1:237,702,041, A>C. VCF-style: chr1-237702041-A-C. GRCh37 (hg19) VCF-style: chr1-237865341-A-C.
Other names: short protein forms K3144T.
Identifiers: ClinVar variation 2454024 (VCV002454024.2), dbSNP rs1386338381, ClinGen allele CA345406419.

ClinVar aggregate classification (germline): Uncertain significance (1 of 4 stars; one submission).

Conditions:
Cardiovascular phenotype. Identifiers: MedGen CN230736.

Submission:

Ambry Genetics
Classification: Uncertain significance for Cardiovascular phenotype. Last evaluated: 2023-02-23. Review status: criteria provided, single submitter. Criteria: Ambry Variant Classification Scheme 2023. Collection method: clinical testing. Allele origin: germline.
Comment: The p.K3144T variant (also known as c.9431A>C), located in coding exon 66 of the RYR2 gene, results from an A to C substitution at nucleotide position 9431. The lysine at codon 3144 is replaced by threonine, an amino acid with similar properties. This amino acid position is highly conserved in available vertebrate species. In addition, this alteration is predicted to be tolerated by in silico analysis. Since supporting evidence is limited at this time, the clinical significance of this alteration remains unclear.